The following is an entry in ClinVar:

ClinVar aggregate classification (germline): Uncertain significance (1 of 4 stars; one submission).

Allele frequency attached by ClinVar (database versions not stated): gnomAD 0.00001; gnomAD exomes 0.00001; ExAC 0.00002.
gnomAD v4.1: 9 of 1,598,920 alleles (0.00056%); highest among the groups gnomAD compares: Non-Finnish European, 0.0006%; no homozygotes.

Submission:

Labcorp Genetics (formerly Invitae), Labcorp
Classification: Uncertain significance. Last evaluated: 2023-09-05. Review status: criteria provided, single submitter. Criteria: Invitae Variant Classification Sherloc (09022015). Collection method: clinical testing. Allele origin: germline.
Comment: In summary, the available evidence is currently insufficient to determine the role of this variant in disease. Therefore, it has been classified as a Variant of Uncertain Significance. An algorithm developed to predict the effect of missense changes on protein structure and function (PolyPhen-2) suggests that this variant is likely to be tolerated. This variant has not been reported in the literature in individuals affected with FAT2-related conditions. The frequency data for this variant in the population databases is considered unreliable, as metrics indicate poor data quality at this position in the gnomAD database. This sequence change replaces arginine, which is basic and polar, with cysteine, which is neutral and slightly polar, at codon 4242 of the FAT2 protein (p.Arg4242Cys).

NM_001447.3(FAT2):c.12724C>T (p.Arg4242Cys)

Genes: FAT2 (FAT atypical cadherin 2; minus strand), SLC36A1 (solute carrier family 36 member 1; plus strand). Cytogenetic location: 5q33.1.
Variant type: single nucleotide variant.
Coding change: c.12724C>T on transcript NM_001447.3 (MANE Select); coding-DNA position 12724, C replaced by T.
Protein change: p.Arg4242Cys; replaces arginine 4242 with cysteine.
Molecular consequence: missense variant.
Genome position (GRCh38, 1-based): chr5:151,505,891, G>A on the plus strand (C>T on the coding strand, the complement: FAT2 is on the minus strand). VCF-style: chr5-151505891-G-A. GRCh37 (hg19) VCF-style: chr5-150885452-G-A.
Other names: short protein forms R4242C.
Identifiers: ClinVar variation 2984695 (VCV002984695.3), dbSNP rs769281607, ClinGen allele CA3519696.